The following is an entry in ClinVar:

ClinVar aggregate classification (germline): Uncertain significance. Review status: criteria provided, multiple submitters, no conflicts (2 of 4 stars). 2 submissions from 2 submitters: Uncertain significance (2). Last evaluated 2022-09-09.

Conditions:
Atypical hemolytic-uremic syndrome with MCP/CD46 anomaly. Also called: HEMOLYTIC UREMIC SYNDROME, ATYPICAL, SUSCEPTIBILITY TO, 2; AHUS, SUSCEPTIBILITY TO, 2. Identifiers: Orphanet 2134, MedGen C2752040, MONDO:0013040, OMIM 612922.

Allele frequency attached by ClinVar (database versions not stated): gnomAD exomes 0.00001; TOPMed 0.00001; ExAC 0.00002.
gnomAD v4.1: 9 of 1,612,554 alleles (0.00056%); highest among the groups gnomAD compares: East Asian, 0.0022%; no homozygotes.

Submissions (2):

Labcorp Genetics (formerly Invitae), Labcorp
Classification: Uncertain significance. Last evaluated: 2022-09-09. Review status: criteria provided, single submitter. Criteria: Invitae Variant Classification Sherloc (09022015). Collection method: clinical testing. Allele origin: germline.
Comment: Algorithms developed to predict the effect of sequence changes on RNA splicing suggest that this variant may disrupt the consensus splice site. Algorithms developed to predict the effect of missense changes on protein structure and function output the following: SIFT: "Tolerated"; PolyPhen-2: "Probably Damaging"; Align-GVGD: "Class C0". The leucine amino acid residue is found in multiple mammalian species, which suggests that this missense change does not adversely affect protein function. ClinVar contains an entry for this variant (Variation ID: 294971). This variant has not been reported in the literature in individuals affected with CD46-related conditions. This variant is present in population databases (rs751860518, gnomAD 0.003%). This sequence change replaces serine, which is neutral and polar, with leucine, which is neutral and non-polar, at codon 302 of the CD46 protein (p.Ser302Leu). In summary, the available evidence is currently insufficient to determine the role of this variant in disease. Therefore, it has been classified as a Variant of Uncertain Significance.

Illumina Laboratory Services, Illumina
Classification: Uncertain significance for Atypical hemolytic-uremic syndrome with MCP/CD46 anomaly. Last evaluated: 2018-01-13. Review status: criteria provided, single submitter. Criteria: ICSL Variant Classification Criteria 13 December 2019. Collection method: clinical testing. Allele origin: germline.

NM_172351.3(CD46):c.860C>T (p.Ser287Leu)

Gene: CD46 (CD46 molecule; plus strand). Cytogenetic location: 1q32.2.
Variant type: single nucleotide variant.
Coding change: c.860C>T on transcript NM_172351.3 (MANE Select); coding-DNA position 860, C replaced by T.
Protein change: p.Ser287Leu; replaces serine 287 with leucine.
Molecular consequence: missense variant. On other transcripts: intron variant (5).
Genome position (GRCh38, 1-based): chr1:207,767,782, C>T. VCF-style: chr1-207767782-C-T. GRCh37 (hg19) VCF-style: chr1-207941127-C-T.
Other names: c.905C>T, p.Ser302Leu (LRG_155t1, NM_002389.4, NM_172359.3); c.860C>T, p.Ser287Leu (NM_153826.4, NM_172355.3, NM_172356.3 and 1 more transcripts); c.856+587C>T (NM_172352.3, NM_172353.3, NM_172350.3 and 2 more transcripts); short protein forms S302L, S287L.
Identifiers: ClinVar variation 294971 (VCV000294971.9), dbSNP rs751860518, ClinGen allele CA1371792.